The following is an entry in ClinVar:

ClinVar aggregate classification (germline): Pathogenic. Review status: criteria provided, multiple submitters, no conflicts (2 of 4 stars). 2 submissions from 2 submitters: Pathogenic (2). Last evaluated 2026-01-20.

Conditions:
Recessive dystrophic epidermolysis bullosa (RDEB). Also called: DYSTROPHIC EPIDERMOLYSIS BULLOSA, AUTOSOMAL RECESSIVE; EPIDERMOLYSIS BULLOSA DYSTROPHICA, HALLOPEAU-SIEMENS TYPE; EPIDERMOLYSIS BULLOSA DYSTROPHICA, GENERALIZED SEVERE, AUTOSOMAL RECESSIVE; Epidermolysis Bullosa Distrophica Autosomal Recessive (RDEB); epidermolysis bullosa dystrophica, autosomal recessive; Recessive DEB (RDEB). Identifiers: Orphanet 79408, Orphanet 79409, MedGen C0079474, MONDO:0009179, OMIM 226600.

gnomAD v4.1: 2 of 1,613,584 alleles (0.00012%); highest among the groups gnomAD compares: Non-Finnish European, 0.00017%; no homozygotes.

Submissions (2):

Myriad Genetics, Inc.
Classification: Pathogenic for Recessive dystrophic epidermolysis bullosa. Last evaluated: 2026-01-20. Review status: criteria provided, single submitter. Criteria: Myriad Autosomal Dominant, Autosomal Recessive and X-Linked Classification Criteria (2023). Collection method: clinical testing. Allele origin: unknown.
Comment: NM_000094.3(COL7A1):c.8457T>G(Y2819*) is expected to be pathogenic in the context of dystrophic epidermolysis bullosa. This variant is predicted to lead to an abnormal or absent protein product due to the creation of a premature termination codon in COL7A1, a gene where loss-of-function variants are known to be pathogenic. Please note: this variant was assessed in the context of healthy population screening.

Labcorp Genetics (formerly Invitae), Labcorp
Classification: Pathogenic. Last evaluated: 2024-04-09. Review status: criteria provided, single submitter. Criteria: Invitae Variant Classification Sherloc (09022015). Collection method: clinical testing. Allele origin: germline.
Comment: This sequence change creates a premature translational stop signal (p.Tyr2819*) in the COL7A1 gene. It is expected to result in an absent or disrupted protein product. Loss-of-function variants in COL7A1 are known to be pathogenic (PMID: 16971478). This variant is not present in population databases (gnomAD no frequency). This variant has not been reported in the literature in individuals affected with COL7A1-related conditions. ClinVar contains an entry for this variant (Variation ID: 1074793). Algorithms developed to predict the effect of sequence changes on RNA splicing suggest that this variant may disrupt the consensus splice site. For these reasons, this variant has been classified as Pathogenic.

Literature cited by the submitters: PubMed 16971478 (cited by Labcorp Genetics (formerly Invitae), Labcorp).

NM_000094.4(COL7A1):c.8457T>G (p.Tyr2819Ter)

Gene: COL7A1 (collagen type VII alpha 1 chain; minus strand). Cytogenetic location: 3p21.31.
Variant type: single nucleotide variant.
Coding change: c.8457T>G on transcript NM_000094.4 (MANE Select); coding-DNA position 8457, T replaced by G.
Protein change: p.Tyr2819Ter; replaces tyrosine 2819 with a stop codon.
Molecular consequence: nonsense.
Genome position (GRCh38, 1-based): chr3:48,565,480, A>C on the plus strand (T>G on the coding strand, the complement: COL7A1 is on the minus strand). VCF-style: chr3-48565480-A-C. GRCh37 (hg19) VCF-style: chr3-48602913-A-C.
Other names: short protein forms Y2819*.
Identifiers: ClinVar variation 1074793 (VCV001074793.6), dbSNP rs751768659, ClinGen allele CA352635189.
Genomic context (GRCh38, chr3:48,565,480, plus strand): 5'-TGCATGAGAGACGCGGAGCACAGGCACAGCATGGAGCTGGGAGCCGGCAGTGTCTGCAGC[A>C]TAACTAGGGAGGGGTCCTGGAGCCAAGAGCAGGGGCCTCAGGGCCCTGAAGTCACCATGG-3'